The following is an entry in ClinVar:

ClinVar aggregate classification (germline): Likely benign. Review status: criteria provided, multiple submitters, no conflicts (2 of 4 stars). 2 submissions from 2 submitters: Likely benign (2). Last evaluated 2025-01-01.

Allele frequency attached by ClinVar (database versions not stated): ExAC 0.00002; gnomAD exomes 0.00002; TOPMed 0.00003; gnomAD 0.00005.
gnomAD v4.1: 33 of 1,612,898 alleles (0.002%); highest among the groups gnomAD compares: East Asian, 0.0089%; no homozygotes.

Submissions (2):

CeGaT Center for Human Genetics Tuebingen
Classification: Likely benign. Last evaluated: 2025-01-01. Review status: criteria provided, single submitter. Criteria: CeGaT Center For Human Genetics Tuebingen Variant Classification Criteria Version 2. Collection method: clinical testing. Allele origin: germline. Affected: yes. Observed: 1 variant allele.
Comment: PEPD: BP4, BP7

Labcorp Genetics (formerly Invitae), Labcorp
Classification: Likely benign. Last evaluated: 2024-03-27. Review status: criteria provided, single submitter. Criteria: Invitae Variant Classification Sherloc (09022015). Collection method: clinical testing. Allele origin: germline.

NM_000285.4(PEPD):c.885C>T (p.Asn295=)

Gene: PEPD (peptidase D; minus strand). Cytogenetic location: 19q13.11.
Variant type: single nucleotide variant.
Coding change: c.885C>T on transcript NM_000285.4 (MANE Select); coding-DNA position 885, C replaced by T.
Protein change: p.Asn295=; no amino-acid change (asparagine 295 retained).
Molecular consequence: synonymous variant.
Genome position (GRCh38, 1-based): chr19:33,401,803, G>A on the plus strand (C>T on the coding strand, the complement: PEPD is on the minus strand). VCF-style: chr19-33401803-G-A. GRCh37 (hg19) VCF-style: chr19-33892709-G-A.
Other names: c.762C>T, p.Asn254= (NM_001166056.2); c.693C>T, p.Asn231= (NM_001166057.2).
Identifiers: ClinVar variation 1674021 (VCV001674021.21), dbSNP rs771953603, ClinGen allele CA9364086.